The following is an entry in ClinVar:

NM_033118.4(MYLK2):c.1093G>A (p.Gly365Arg)

Gene: MYLK2 (myosin light chain kinase 2; plus strand). Cytogenetic location: 20q11.21.
Variant type: single nucleotide variant.
Coding change: c.1093G>A on transcript NM_033118.4 (MANE Select); coding-DNA position 1093, G replaced by A.
Protein change: p.Gly365Arg; replaces glycine 365 with arginine.
Molecular consequence: missense variant.
Genome position (GRCh38, 1-based): chr20:31,826,807, G>A. VCF-style: chr20-31826807-G-A. GRCh37 (hg19) VCF-style: chr20-30414610-G-A.
Other names: c.1093G>A (NM_033118.3); short protein forms G365R.
Identifiers: ClinVar variation 691703 (VCV000691703.11), dbSNP rs755753841, ClinGen allele CA9803118.

ClinVar aggregate classification (germline): Uncertain significance. Review status: criteria provided, multiple submitters, no conflicts (2 of 4 stars). 4 submissions from 4 submitters: Uncertain significance (4). Last evaluated 2025-11-13.

Conditions:
Hypertrophic cardiomyopathy 1 (CMH1). Also called: Familial hypertrophic cardiomyopathy 1; MYH7-Related Familial Hypertrophic Cardiomyopathy. Identifiers: MedGen C3495498, MONDO:0008647, OMIM 192600.
Ventricular tachycardia. Identifiers: MedGen C0042514, MONDO:0005477, HP:0004756.

Allele frequency attached by ClinVar (database versions not stated): ExAC 0.00001; gnomAD 0.00001; gnomAD exomes 0.00001.
gnomAD v4.1: 15 of 1,614,002 alleles (0.00093%); highest among the groups gnomAD compares: East Asian, 0.0022%; no homozygotes.

Submissions (4):

Ambry Genetics
Classification: Uncertain significance. Last evaluated: 2025-11-13. Review status: criteria provided, single submitter. Criteria: Ambry Variant Classification Scheme 2023. Collection method: clinical testing. Allele origin: germline.

Labcorp Genetics (formerly Invitae), Labcorp
Classification: Uncertain significance for Hypertrophic cardiomyopathy 1. Last evaluated: 2025-05-27. Review status: criteria provided, single submitter. Criteria: Invitae Variant Classification Sherloc (09022015). Collection method: clinical testing. Allele origin: germline.
Comment: This sequence change replaces glycine, which is neutral and non-polar, with arginine, which is basic and polar, at codon 365 of the MYLK2 protein (p.Gly365Arg). This variant is present in population databases (rs755753841, gnomAD 0.007%). This variant has not been reported in the literature in individuals affected with MYLK2-related conditions. ClinVar contains an entry for this variant (Variation ID: 691703). Invitae Evidence Modeling of protein sequence and biophysical properties (such as structural, functional, and spatial information, amino acid conservation, physicochemical variation, residue mobility, and thermodynamic stability) indicates that this missense variant is expected to disrupt MYLK2 protein function with a positive predictive value of 80%. In summary, the available evidence is currently insufficient to determine the role of this variant in disease. Therefore, it has been classified as a Variant of Uncertain Significance.

Women's Health and Genetics/Laboratory Corporation of America, LabCorp
Classification: Uncertain significance. Last evaluated: 2025-04-29. Review status: criteria provided, single submitter. Criteria: LabCorp Variant Classification Summary - May 2015. Collection method: clinical testing. Allele origin: germline.
Comment: Variant summary: MYLK2 c.1093G>A (p.Gly365Arg) results in a non-conservative amino acid change located in the Protein kinase domain (IPR000719) of the encoded protein sequence. Four of five in-silico tools predict a damaging effect of the variant on protein function. The variant allele was found at a frequency of 8e-06 in 251266 control chromosomes. The available data on variant occurrences in the general population are insufficient to allow any conclusion about variant significance. To our knowledge, no occurrence of c.1093G>A in individuals affected with Hypertrophic Cardiomyopathy and no experimental evidence demonstrating its impact on protein function have been reported. ClinVar contains an entry for this variant (Variation ID: 691703). Based on the evidence outlined above, the variant was classified as uncertain significance.

Center for Advanced Laboratory Medicine, UC San Diego Health, University of California San Diego
Classification: Uncertain significance for Ventricular tachycardia. Last evaluated: 2019-03-26. Review status: criteria provided, single submitter. Criteria: ACMG Guidelines, 2015. Collection method: clinical testing. Allele origin: germline. Affected: yes. Observed: 1 variant allele.